The following is an entry in ClinVar:

ClinVar aggregate classification (germline): Uncertain significance (1 of 4 stars; one submission).

Conditions:
Primary ciliary dyskinesia. Also called: Ciliary dyskinesia. Identifiers: Orphanet 244, MedGen C0008780, MONDO:0016575, HP:0012265.

Allele frequency attached by ClinVar (database versions not stated): gnomAD exomes below 0.00001.
gnomAD v4.1: 1 of 1,209,450 alleles (0.000083%); highest among the groups gnomAD compares: Non-Finnish European, 0.00011%; no homozygotes.

Submissions (2):

Labcorp Genetics (formerly Invitae), Labcorp
Classification: Uncertain significance for Primary ciliary dyskinesia. Last evaluated: 2022-12-13. Review status: criteria provided, single submitter. Criteria: Invitae Variant Classification Sherloc (09022015). Collection method: clinical testing. Allele origin: germline.
Comment: This sequence change replaces methionine, which is neutral and non-polar, with valine, which is neutral and non-polar, at codon 553 of the RPGR protein (p.Met553Val). This variant is not present in population databases (gnomAD no frequency). This variant has not been reported in the literature in individuals affected with RPGR-related conditions. Advanced modeling of protein sequence and biophysical properties (such as structural, functional, and spatial information, amino acid conservation, physicochemical variation, residue mobility, and thermodynamic stability) performed at Invitae indicates that this missense variant is not expected to disrupt RPGR protein function. In summary, the available evidence is currently insufficient to determine the role of this variant in disease. Therefore, it has been classified as a Variant of Uncertain Significance.

Dr. Peter K. Rogan Lab, Western University
No classification provided (evidence only). Condition: Nonpapillary renal cell carcinoma. Review status: no classification provided. Collection method: in vitro. Allele origin: not applicable. Functional consequence: retained intron. Not counted in ClinVar's aggregate classification.

NM_001034853.2(RPGR):c.1657A>G (p.Met553Val)

Gene: RPGR (retinitis pigmentosa GTPase regulator; minus strand). Cytogenetic location: Xp11.4.
Variant type: single nucleotide variant.
Coding change: c.1657A>G on transcript NM_001034853.2 (MANE Select); coding-DNA position 1657, A replaced by G.
Protein change: p.Met553Val; replaces methionine 553 with valine.
Molecular consequence: missense variant. On other transcripts: non-coding transcript variant (1), intron variant (5).
Genome position (GRCh38, 1-based): chrX:38,287,957, T>C on the plus strand (A>G on the coding strand, the complement: RPGR is on the minus strand). VCF-style: chrX-38287957-T-C. GRCh37 (hg19) VCF-style: chrX-38147210-T-C.
Other names: c.1657A>G, p.Met553Val (NM_000328.3); c.1654A>G, p.Met552Val (NM_001367245.1); c.1471A>G, p.Met491Val (NM_001367246.1); c.1569+3002A>G (NM_001367249.1, NM_001367250.1); c.1386+3002A>G (NM_001367251.1); c.1572+3002A>G (NM_001367247.1); c.1602+3002A>G (NM_001367248.1); short protein forms M491V, M553V, M552V.
Identifiers: ClinVar variation 2893285 (VCV002893285.4), dbSNP rs2519798553, ClinGen allele CA412737179.